The following is an entry in ClinVar:

ClinVar aggregate classification (germline): Uncertain significance (1 of 4 stars; one submission).

Allele frequency attached by ClinVar (database versions not stated): gnomAD exomes below 0.00001.
gnomAD v4.1: 1 of 1,593,892 alleles (0.000063%); highest among the groups gnomAD compares: Non-Finnish European, 0.000085%; no homozygotes.

Submission:

Labcorp Genetics (formerly Invitae), Labcorp
Classification: Uncertain significance. Last evaluated: 2021-12-25. Review status: criteria provided, single submitter. Criteria: Invitae Variant Classification Sherloc (09022015). Collection method: clinical testing. Allele origin: germline.
Comment: This sequence change replaces serine, which is neutral and polar, with leucine, which is neutral and non-polar, at codon 1972 of the OTOGL protein (p.Ser1972Leu). This variant is not present in population databases (gnomAD no frequency). This variant has not been reported in the literature in individuals affected with OTOGL-related conditions. Algorithms developed to predict the effect of missense changes on protein structure and function (SIFT, PolyPhen-2, Align-GVGD) all suggest that this variant is likely to be tolerated. In summary, the available evidence is currently insufficient to determine the role of this variant in disease. Therefore, it has been classified as a Variant of Uncertain Significance.

NM_001378609.3(OTOGL):c.5942C>T (p.Ser1981Leu)

Gene: OTOGL (otogelin like; plus strand). Cytogenetic location: 12q21.31.
Variant type: single nucleotide variant.
Coding change: c.5942C>T on transcript NM_001378609.3 (MANE Select); coding-DNA position 5942, C replaced by T.
Protein change: p.Ser1981Leu; replaces serine 1981 with leucine.
Molecular consequence: missense variant.
Genome position (GRCh38, 1-based): chr12:80,356,837, C>T. VCF-style: chr12-80356837-C-T. GRCh37 (hg19) VCF-style: chr12-80750617-C-T.
Other names: c.5807C>T, p.Ser1936Leu (NM_001368062.3); c.5942C>T, p.Ser1981Leu (NM_001378610.3, NM_173591.7); short protein forms S1981L, S1936L.
Identifiers: ClinVar variation 2060130 (VCV002060130.4), dbSNP rs2541406055, ClinGen allele CA385888219.
Genomic context (GRCh38, chr12:80,356,837, plus strand): 5'-AAATTTTCTAATGTAATTTTGTTTCTGCAGAATGTGACCCATTGAAATGCCCCAGTATTT[C>T]AACACCAGAATGCAGAGAAGATCAATTCATGATTCAAGTTCGACAGGAAGAACCTTGTTG-3'
Protein context (NP_001365538.2, residues 1971-1991): ECDPLKCPSI[Ser1981Leu]TPECREDQFM